The following is an entry in ClinVar:

ClinVar aggregate classification (germline): Conflicting classifications of pathogenicity. Review status: criteria provided, conflicting classifications (1 of 4 stars). 2 submissions from 2 submitters: Pathogenic (1); Uncertain significance (1). Last evaluated 2026-09-30.

Conditions:
Inborn genetic diseases. Identifiers: MedGen C0950123, MeSH D030342.

Submissions (2):

GeneDx
Classification: Pathogenic. Last evaluated: 2026-09-30. Review status: criteria provided, single submitter. Criteria: GeneDx Variant Classification Process June 2021. Collection method: clinical testing. Allele origin: germline.
Comment: Not observed at significant frequency in large population cohorts (gnomAD); This substitution is predicted to be within the transmembrane segment S5; In silico analysis suggests that this missense variant does not alter protein structure/function; This variant is associated with the following publications: (PMID: 33528536, 37497102, 35857840)

Ambry Genetics
Classification: Uncertain significance for Inborn genetic diseases. Last evaluated: 2017-07-11. Review status: criteria provided, single submitter. Criteria: Ambry Variant Classification Scheme 2023. Collection method: clinical testing. Allele origin: germline.
Comment: The p.I238L variant (also known as c.712A>C), located in coding exon 5 of the KCNQ2 gene, results from an A to C substitution at nucleotide position 712. The isoleucine at codon 238 is replaced by leucine, an amino acid with highly similar properties. This amino acid position is highly conserved in available vertebrate species. In addition, this alteration is predicted to be deleterious by in silico analysis. Since supporting evidence is limited at this time, the clinical significance of this alteration remains unclear.

NM_172107.4(KCNQ2):c.712A>C (p.Ile238Leu)

Gene: KCNQ2 (potassium voltage-gated channel subfamily Q member 2; minus strand). Cytogenetic location: 20q13.33.
Variant type: single nucleotide variant.
Coding change: c.712A>C on transcript NM_172107.4 (MANE Select); coding-DNA position 712, A replaced by C.
Protein change: p.Ile238Leu; replaces isoleucine 238 with leucine.
Molecular consequence: missense variant.
Genome position (GRCh38, 1-based): chr20:63,442,510, T>G on the plus strand (A>C on the coding strand, the complement: KCNQ2 is on the minus strand). VCF-style: chr20-63442510-T-G. GRCh37 (hg19) VCF-style: chr20-62073863-T-G.
Other names: c.712A>C, p.Ile238Leu (NM_004518.6, NM_172106.3, NM_172108.5 and 1 more transcripts); short protein forms I238L.
Identifiers: ClinVar variation 421609 (VCV000421609.6), dbSNP rs747050726, ClinGen allele CA16620973.